The following is an entry in ClinVar:

NM_003384.3(VRK1):c.1072C>T (p.Arg358Ter)

Gene: VRK1 (VRK serine/threonine kinase 1; plus strand). Cytogenetic location: 14q32.2.
Variant type: single nucleotide variant.
Coding change: c.1072C>T on transcript NM_003384.3 (MANE Select); coding-DNA position 1072, C replaced by T.
Protein change: p.Arg358Ter; replaces arginine 358 with a stop codon.
Molecular consequence: nonsense.
Genome position (GRCh38, 1-based): chr14:96,876,033, C>T. VCF-style: chr14-96876033-C-T. GRCh37 (hg19) VCF-style: chr14-97342370-C-T.
Other names: NM_003384.3(VRK1):c.1072C>T; p.Arg358Ter; short protein forms R358*.
Identifiers: ClinVar variation 7497 (VCV000007497.57), dbSNP rs137853063, ClinGen allele CA248458.

ClinVar aggregate classification (germline): Pathogenic. Review status: criteria provided, multiple submitters, no conflicts (2 of 4 stars). 12 submissions from 11 submitters: Pathogenic (10). 2 of the submissions do not count toward it. Last evaluated 2025-11-05.

Conditions:
Neuronopathy, distal hereditary motor, autosomal recessive 10 (HMNR10). Also called: NEUROPATHY, DISTAL HEREDITARY MOTOR, AUTOSOMAL RECESSIVE 10; VRK1-RELATED MOTOR NEURON DISEASE. Identifiers: MedGen C5882703, MONDO:0957876, OMIM 620542.
Pontocerebellar hypoplasia type 1A (PCH1A). Also called: PONTOCEREBELLAR HYPOPLASIA WITH ANTERIOR HORN CELL DISEASE; PONTOCEREBELLAR HYPOPLASIA WITH INFANTILE SPINAL MUSCULAR ATROPHY. Identifiers: Orphanet 2254, Orphanet 88616, MedGen C1843504, MONDO:0011866, OMIM 607596.
Inborn genetic diseases. Identifiers: MedGen C0950123, MeSH D030342.
Abnormality of the musculature. Identifiers: MedGen C4021745, HP:0003011.

Allele frequency attached by ClinVar (database versions not stated): ExAC 0.00002; gnomAD exomes 0.00004 and 0.00006; TOPMed 0.00006.
gnomAD v4.1: 73 of 1,612,232 alleles (0.0045%); highest among the groups gnomAD compares: Non-Finnish European, 0.0022%; no homozygotes.

Submissions (12):

Labcorp Genetics (formerly Invitae), Labcorp
Classification: Pathogenic for Pontocerebellar hypoplasia type 1A. Last evaluated: 2025-11-05. Review status: criteria provided, single submitter. Criteria: Invitae Variant Classification Sherloc (09022015). Collection method: clinical testing. Allele origin: germline.
Comment: This sequence change creates a premature translational stop signal (p.Arg358*) in the VRK1 gene. It is expected to result in an absent or disrupted protein product. Loss-of-function variants in VRK1 are known to be pathogenic (PMID: 19646678, 24126608, 27281532). This variant is present in population databases (rs137853063, gnomAD 0.1%). This premature translational stop signal has been observed in individual(s) with pontocerebellar hypoplasia, spinal muscular atrophy or complex motor, and sensory axonal neuropathy plus microcephaly (PMID: 19646678, 24126608, 27281532). It has also been observed to segregate with disease in related individuals. ClinVar contains an entry for this variant (Variation ID: 7497). For these reasons, this variant has been classified as Pathogenic.

Natera, Inc.
Classification: Pathogenic for Pontocerebellar hypoplasia, type 1a. Last evaluated: 2025-05-14. Review status: criteria provided, single submitter. Criteria: Natera Variant Classification Schema (03/2026). Collection method: clinical testing. Allele origin: germline.
Comment: The c.1072C>T variant in VRK1 is a nonsense variant predicted to introduce a stop codon at amino acid 358. This variant is expected to result in nonsense mediated decay, truncation, or a dysfunctional protein product. This variant has been observed in one or more individuals affected with the associated recessive disease, as either homozygous or compound heterozygous with a second variant (PMID: 35032046). Given the available evidence, this variant is classified as Pathogenic.

Fulgent Genetics
Classification: Pathogenic for Pontocerebellar hypoplasia type 1A; Neuronopathy, distal hereditary motor, autosomal recessive 10. Last evaluated: 2024-04-30. Review status: criteria provided, single submitter. Criteria: ACMG Guidelines, 2015. Collection method: clinical testing. Allele origin: germline.

Broad Center for Mendelian Genomics, Broad Institute of MIT and Harvard
Classification: Pathogenic for Pontocerebellar hypoplasia type 1A. Last evaluated: 2023-01-25. Review status: criteria provided, single submitter. Criteria: ACMG Guidelines, 2015. Collection method: curation. Allele origin: germline. Inheritance: Autosomal recessive inheritance.
Comment: The homozygous p.Arg358Ter variant in VRK1 was identified by our study in two siblings with pontocerebellar hypoplasia. The p.Arg358Ter variant in VRK1 has been previously reported in 5 unrelated individuals with pontocerebellar hypoplasia type IA (PMID: 25356970, PMID: 30108342, PMID: 24126608, PMID: 19646678, PMID: 27281532), and segregated with disease in 2 affected relatives from one family (PMID: 27281532), but has been identified in 0.004% (3/67996) of European (non-Finnish) chromosomes by the Genome Aggregation Database (gnomAD; dbSNP ID: rs137853063). Although this variant has been seen in the general population in a heterozygous state, its frequency is low enough to be consistent with a recessive carrier frequency. Of these 5 unrelated affected individuals, 4 were homozygotes (PMID: 25356970, PMID: 30108342, PMID: 24126608, PMID: 19646678) and 1 was a compound heterozygote who carried a pathogenic variant in trans (PMID: 27281532, ClinVar Variation ID: 209204), which increases the likelihood that the p.Arg358Ter variant in VRK1 is pathogenic. This variant has also been reported in ClinVar (Variation ID: 7497) and has been interpreted as pathogenic by multiple submitters. In vitro functional studies provide some evidence that the p.Arg358Ter variant may impact protein function (PMID: 25609612, PMID: 21920476, PMID: 31527692). However, these types of assays may not accurately represent biological function. This nonsense variant leads to a premature termination codon at position 358, which is predicted to lead to a truncated or absent protein. Loss of function of the VRK1 gene is an established disease mechanism in autosomal recessive pontocerebellar hypoplasia type IA. In summary, this variant meets criteria to be classified as pathogenic for pontocerebellar hypoplasia type IA. ACMG/AMP Criteria applied: PVS1, PS3_Supporting, PM2_Supporting, PM3_Strong, PP1_Moderate (Richards 2015).

Ambry Genetics
Classification: Pathogenic for Inborn genetic diseases. Last evaluated: 2023-01-10. Review status: criteria provided, single submitter. Criteria: Ambry Variant Classification Scheme 2023. Collection method: clinical testing. Allele origin: germline.
Comment: The c.1072C>T (p.R358*) alteration, located in exon 12 (coding exon 11) of the VRK1 gene, consists of a C to T substitution at nucleotide position 1072. This changes the amino acid from a arginine (R) to a stop codon at amino acid position 358. This alteration is expected to result in loss of function by premature protein truncation or nonsense-mediated mRNA decay. Based on data from gnomAD, the T allele has an overall frequency of 0.006% (16/250524) total alleles studied. The highest observed frequency was 0.149% (15/10058) of Ashkenazi Jewish alleles. This alteration has been detected in the homozygous state and in trans with another VRK1 disease-causing mutation in multiple unrelated individuals with VRK1-related motor and sensory neuropathy with or without pontocerebellar hypoplasia (Renbaum, 2009; Farwell, 2015; Stoll, 2016; Gonzaga-Jauregui, 2013; Reches, 2018; Ambry internal data). Functional studies suggest that this alteration demonstrates mislocalization, reduced protein stability and reduced kinase activity (Martin-Doncel, 2019; Sanz-Garcia, 2011). Based on the available evidence, this alteration is classified as pathogenic.

GeneDx
Classification: Pathogenic. Last evaluated: 2022-02-24. Review status: criteria provided, single submitter. Criteria: GeneDx Variant Classification Process June 2021. Collection method: clinical testing. Allele origin: germline. Affected: yes.
Comment: Published functional studies in lymphoblastoid cell lines demonstrate an extreme reduction in the mRNA and protein levels of APP (amyloid-beta precursor protein), which has a role in neuronal migration (Vinograd-Byk et al., 2015); Nonsense variant predicted to result in protein truncation or nonsense mediated decay in a gene for which loss-of-function is a known mechanism of disease; This variant is associated with the following publications: (PMID: 21920476, 25525159, 19646678, 25609612, 25356970, 27281532, 24126608, 30108342, 31527692, 30617279, 31589614, 21749694)

Revvity Omics, Revvity
Classification: Pathogenic. Last evaluated: 2021-08-16. Review status: criteria provided, single submitter. Criteria: ACMG Guidelines, 2015. Collection method: clinical testing. Allele origin: germline.

Kariminejad - Najmabadi Pathology & Genetics Center
Classification: Pathogenic for Abnormality of the musculature. Last evaluated: 2021-07-10. Review status: criteria provided, single submitter. Criteria: ACMG Guidelines, 2015. Collection method: clinical testing. Allele origin: germline. Affected: yes.

Genetics Institute, Tel Aviv Sourasky Medical Center
Classification: Pathogenic for Pontocerebellar hypoplasia type 1A. Last evaluated: 2021-05-12. Review status: criteria provided, single submitter. Criteria: ACMG Guidelines, 2015. Collection method: clinical testing. Allele origin: inherited. Inheritance: Autosomal recessive inheritance.

Lupski Lab, Baylor-Hopkins CMG, Baylor College of Medicine
Classification: Pathogenic for Pontocerebellar hypoplasia type 1A. Last evaluated: 2013-10-14. Review status: criteria provided, single submitter. Criteria: Gonzaga-Jauregui et al. (JAMA Neurol 2013). Collection method: research. Allele origin: germline. Inheritance: Autosomal recessive inheritance. Affected: yes and no. Observed: 4 variant alleles, 3 heterozygotes, 1 homozygote.
Comment: Segregates with the phenotype in affected family

OMIM
Classification: Pathogenic for PONTOCEREBELLAR HYPOPLASIA, TYPE 1A. Last evaluated: 2013-12-01. Review status: no assertion criteria provided. Collection method: literature only. Allele origin: germline. Not counted in ClinVar's aggregate classification.

OMIM
Classification: Pathogenic for NEURONOPATHY, DISTAL HEREDITARY MOTOR, AUTOSOMAL RECESSIVE 10. Last evaluated: 2013-12-01. Review status: no assertion criteria provided. Collection method: literature only. Allele origin: germline. Not counted in ClinVar's aggregate classification.

Literature cited by the submitters: PubMed 19646678 (cited by 3 submitters); PubMed 24126608 (cited by 3 submitters); PubMed 27281532 (cited by Labcorp Genetics (formerly Invitae), Labcorp and Ambry Genetics); PubMed 35032046 (cited by Natera, Inc.); PubMed 21920476 (cited by Ambry Genetics); PubMed 25356970 (cited by Ambry Genetics); PubMed 30108342 (cited by Ambry Genetics); PubMed 31527692 (cited by Ambry Genetics).